The following is an entry in ClinVar:

NM_000256.3(MYBPC3):c.319_320insACCCTG (p.Pro106_Ala107insAspPro)

Gene: MYBPC3 (myosin binding protein C3; minus strand). Cytogenetic location: 11p11.2.
Variant type: Insertion.
Coding change: c.319_320insACCCTG on transcript NM_000256.3 (MANE Select); coding-DNA positions 319 to 320, ACCCTG inserted.
Protein change: p.Pro106_Ala107insAspPro.
Molecular consequence: inframe insertion.
Genome position: GRCh38 VCF-style: chr11-47350588-G-GCAGGGT. GRCh37 (hg19) VCF-style: chr11-47372139-G-GCAGGGT.
Identifiers: ClinVar variation 3072394 (VCV003072394.1), dbSNP rs2495783836, ClinGen allele CA2825002017.
Genomic context (GRCh38, chr11:47,350,588, plus strand): 5'-AGCTCAGCGGCTGGGGCCGGGGCTTCTCCAGGGGCTCCAGTGGCCTCAGCAGGGGCAGGG[G>GCAGGGT]CAGGGGCCAGCATGGGCTCTGCCTTCTCTGGAGGGGATCAGATGGGAGTCGTGGTGCAGC-3'

ClinVar aggregate classification (germline): Uncertain significance (1 of 4 stars; one submission).

Conditions:
Hypertrophic cardiomyopathy. Also called: HYPERTROPHIC MYOCARDIOPATHY. Identifiers: Orphanet 217569, MedGen C0007194, MeSH D002312, MONDO:0005045, HP:0001639.

Submission:

All of Us Research Program, National Institutes of Health
Classification: Uncertain significance for Hypertrophic cardiomyopathy. Last evaluated: 2023-07-10. Review status: criteria provided, single submitter. Criteria: ACMG Guidelines, 2015. Collection method: clinical testing. Allele origin: germline. Inheritance: Autosomal dominant inheritance. Observed: 1 variant allele, 1 heterozygote.
Comment: This variant causes an in-frame insertion of two amino acids of the MYBPC3 protein. To our knowledge, functional studies have not been reported for this variant. This variant has not been reported in individuals affected with MYBPC3-related disorders in the literature. This variant has not been identified in the general population by the Genome Aggregation Database (gnomAD). The available evidence is insufficient to determine the role of this variant in disease conclusively. Therefore, this variant is classified as a Variant of Uncertain Significance.

This study involves interpretation of variants in research participants for the purpose of population health screening. Participant phenotype was not available at the time of variant classification. Additional details can be found in publication PMID: 35346344, PMCID: PMC8962531